The following is an entry in ClinVar:

NM_002693.3(POLG):c.1446C>T (p.Asp482=)

Gene: POLG (DNA polymerase gamma, catalytic subunit; minus strand). Cytogenetic location: 15q26.1.
Variant type: single nucleotide variant.
Coding change: c.1446C>T on transcript NM_002693.3 (MANE Select); coding-DNA position 1446, C replaced by T.
Protein change: p.Asp482=; no amino-acid change (aspartic acid 482 retained).
Molecular consequence: synonymous variant.
Genome position (GRCh38, 1-based): chr15:89,327,051, G>A on the plus strand (C>T on the coding strand, the complement: POLG is on the minus strand). VCF-style: chr15-89327051-G-A. GRCh37 (hg19) VCF-style: chr15-89870282-G-A.
Other names: c.1446C>T, p.Asp482= (NM_001126131.2).
Identifiers: ClinVar variation 380290 (VCV000380290.47), dbSNP rs202053662, ClinGen allele CA16607174.
Genomic context (GRCh38, chr15:89,327,051, plus strand): 5'-CTTCTTAGCTTTCTTCTGCTTAAATTCTTGCAGGTCCCACTCCAGGTCCCAGAGCCAGGG[G>A]TCTTCTTTGTACCTACAGAGCCAGTCCACTAGGGCAGGGCTAAGGCTAAGCCGAAGGCTA-3'
Protein context (NP_002684.1, residues 472-492): QLLSGERYKE[Asp482=]PWLWDLEWDL

ClinVar aggregate classification (germline): Likely benign. Review status: criteria provided, multiple submitters, no conflicts (2 of 4 stars). 3 submissions from 3 submitters: Likely benign (3). Last evaluated 2026-01-15.

Conditions:
Progressive sclerosing poliodystrophy (MTDPS4A). Also called: Mitochondrial DNA Depletion Syndrome 4A; Mitochondrial DNA depletion syndrome 4A (Alpers type); ALPERS DIFFUSE DEGENERATION OF CEREBRAL GRAY MATTER WITH HEPATIC CIRRHOSIS; NEURONAL DEGENERATION OF CHILDHOOD WITH LIVER DISEASE, PROGRESSIVE; Alpers-Huttenlocher Syndrome; Alpers-Huttenlocher Syndrome (AHS). Identifiers: Orphanet 726, MedGen C0205710, MONDO:0008758, OMIM 203700.

Allele frequency attached by ClinVar (database versions not stated): gnomAD exomes below 0.00001 and 0.00002; TOPMed 0.00001.

Submissions (3):

Labcorp Genetics (formerly Invitae), Labcorp
Classification: Likely benign for Progressive sclerosing poliodystrophy. Last evaluated: 2026-01-15. Review status: criteria provided, single submitter. Criteria: Invitae Variant Classification Sherloc (09022015). Collection method: clinical testing. Allele origin: germline.

CeGaT Center for Human Genetics Tuebingen
Classification: Likely benign. Last evaluated: 2020-08-01. Review status: criteria provided, single submitter. Criteria: CeGaT Center For Human Genetics Tuebingen Variant Classification Criteria Version 2. Collection method: clinical testing. Allele origin: germline. Affected: yes. Observed: 1 variant allele.

GeneDx
Classification: Likely benign. Last evaluated: 2017-12-14. Review status: criteria provided, single submitter. Criteria: GeneDx Variant Classification (06012015). Collection method: clinical testing. Allele origin: germline. Affected: yes.
Comment: This variant is considered likely benign or benign based on one or more of the following criteria: it is a conservative change, it occurs at a poorly conserved position in the protein, it is predicted to be benign by multiple in silico algorithms, and/or has population frequency not consistent with disease.